The following is an entry in ClinVar:

NM_016507.4(CDK12):c.767C>T (p.Ser256Leu)

Genes: CDK12 (cyclin dependent kinase 12; plus strand), LOC126862553 (CDK7 strongly-dependent group 2 enhancer GRCh37_chr17:37618166-37619365; plus strand). Cytogenetic location: 17q12.
Variant type: single nucleotide variant.
Coding change: c.767C>T on transcript NM_016507.4 (MANE Select); coding-DNA position 767, C replaced by T.
Protein change: p.Ser256Leu; replaces serine 256 with leucine.
Molecular consequence: missense variant.
Genome position (GRCh38, 1-based): chr17:39,462,838, C>T. VCF-style: chr17-39462838-C-T. GRCh37 (hg19) VCF-style: chr17-37619091-C-T.
Other names: c.767C>T, p.Ser256Leu (NM_015083.4); short protein forms S256L.
Identifiers: ClinVar variation 3999451 (VCV003999451.1).

ClinVar aggregate classification (germline): Uncertain significance (1 of 4 stars; one submission).

gnomAD v4.1: 1 of 1,614,166 alleles (0.000062%); highest among the groups gnomAD compares: Non-Finnish European, 0.000085%; no homozygotes.

Submission:

Ambry Genetics
Classification: Uncertain significance. Last evaluated: 2025-05-15. Review status: criteria provided, single submitter. Criteria: Ambry Variant Classification Scheme 2023. Collection method: clinical testing. Allele origin: germline.
Comment: The p.S256L variant (also known as c.767C>T), located in coding exon 1 of the CDK12 gene, results from a C to T substitution at nucleotide position 767. The serine at codon 256 is replaced by leucine, an amino acid with dissimilar properties. This amino acid position is conserved. In addition, this alteration is predicted to be tolerated by in silico analysis. Based on the available evidence, the clinical significance of this variant remains unclear.